The following is an entry in ClinVar:

NM_001145715.3(KPNA7):c.1053C>T (p.Asn351=)

Gene: KPNA7 (karyopherin subunit alpha 7; minus strand). Cytogenetic location: 7q22.1.
Variant type: single nucleotide variant.
Coding change: c.1053C>T on transcript NM_001145715.3 (MANE Select); coding-DNA position 1053, C replaced by T.
Protein change: p.Asn351=; no amino-acid change (asparagine 351 retained).
Molecular consequence: synonymous variant.
Genome position (GRCh38, 1-based): chr7:99,185,010, G>A on the plus strand (C>T on the coding strand, the complement: KPNA7 is on the minus strand). VCF-style: chr7-99185010-G-A. GRCh37 (hg19) VCF-style: chr7-98782633-G-A.
Other names: c.1053C>T (NM_001145715.2).
Identifiers: ClinVar variation 415821 (VCV000415821.14), dbSNP rs112225309, ClinGen allele CA4363150.

ClinVar aggregate classification (germline): Likely benign. Review status: criteria provided, multiple submitters, no conflicts (2 of 4 stars). 3 submissions from 3 submitters: Likely benign (2). 1 of the submissions does not count toward it. Last evaluated 2026-01-13.

Conditions:
KPNA7-related disorder. Also called: KPNA7-related condition.

Allele frequency attached by ClinVar (database versions not stated): gnomAD exomes 0.00010 and 0.00026; ExAC 0.00040; 1000 Genomes Project 30x 0.00062; 1000 Genomes Project 0.00080; TOPMed 0.00114; gnomAD 0.00116 and 0.00118; ESP Exome Variant Server 0.00131.
gnomAD v4.1: 326 of 1,551,884 alleles (0.021%); highest among the groups gnomAD compares: African/African-American, 0.38%; 2 homozygotes.

Submissions (3):

Labcorp Genetics (formerly Invitae), Labcorp
Classification: Likely benign. Last evaluated: 2026-01-13. Review status: criteria provided, single submitter. Criteria: Invitae Variant Classification Sherloc (09022015). Collection method: clinical testing. Allele origin: germline.

Breakthrough Genomics
Classification: Likely benign. Review status: criteria provided, single submitter. Criteria: ACMG Guidelines, 2015. Collection method: not provided. Allele origin: germline. Inheritance: Unknown mechanism. Affected: yes.

PreventionGenetics, part of Exact Sciences
Classification: Likely benign for KPNA7-related condition. Last evaluated: 2024-05-24. Review status: no assertion criteria provided. Collection method: clinical testing. Allele origin: germline. Not counted in ClinVar's aggregate classification.
Comment: This variant is classified as likely benign based on ACMG/AMP sequence variant interpretation guidelines (Richards et al. 2015 PMID: 25741868, with internal and published modifications).